The following is an entry in ClinVar:

NM_005359.6(SMAD4):c.455-14A>G

Gene: SMAD4 (SMAD family member 4; plus strand). Cytogenetic location: 18q21.2.
Variant type: single nucleotide variant.
Coding change: c.455-14A>G on transcript NM_005359.6 (MANE Select); 14 bases into the intron before coding-DNA position 455, A replaced by G.
Molecular consequence: intron variant.
Genome position (GRCh38, 1-based): chr18:51,054,767, A>G. VCF-style: chr18-51054767-A-G. GRCh37 (hg19) VCF-style: chr18-48581137-A-G.
Other names: c.455-14A>G (NM_001407042.1, NM_001407041.1, NM_001407043.1).
Identifiers: ClinVar variation 3904163 (VCV003904163.1).

ClinVar aggregate classification (germline): Likely benign (1 of 4 stars; one submission).

Conditions:
Juvenile polyposis/hereditary hemorrhagic telangiectasia syndrome (JPHT). Also called: JP/HHT SYNDROME; JUVENILE POLYPOSIS WITH HEREDITARY HEMORRHAGIC TELANGIECTASIA; POLYPOSIS, GENERALIZED JUVENILE, WITH PULMONARY ARTERIOVENOUS MALFORMATION; TELANGIECTASIA, HEREDITARY HEMORRHAGIC, WITH JUVENILE POLYPOSIS COLI; Juvenile Polyposis Syndrome / Hereditary Hemorrhagic Telangiectasia (JPS/HHT). Identifiers: Orphanet 2929, MedGen C1832942, MONDO:0008278, OMIM 175050.

Submission:

Myriad Genetics, Inc.
Classification: Likely benign for Juvenile polyposis/hereditary hemorrhagic telangiectasia syndrome. Last evaluated: 2025-03-19. Review status: criteria provided, single submitter. Criteria: Myriad Autosomal Dominant, Autosomal Recessive and X-Linked Classification Criteria (2023). Collection method: clinical testing. Allele origin: unknown.
Comment: This variant is considered likely benign. This variant is intronic and is not expected to impact mRNA splicing.